The following is an entry in ClinVar:

ClinVar aggregate classification (germline): Uncertain significance (1 of 4 stars; one submission).

gnomAD v4.1: 1 of 1,179,442 alleles (0.000085%); highest among the groups gnomAD compares: Non-Finnish European, 0.00011%; no homozygotes.

Submission:

GeneDx
Classification: Uncertain significance. Last evaluated: 2025-05-27. Review status: criteria provided, single submitter. Criteria: GeneDx Variant Classification Process June 2021. Collection method: clinical testing. Allele origin: germline. Affected: yes.
Comment: Alters the Kozak sequence, which plays a major role in the initiation of translation; Not observed at significant frequency in large population cohorts (gnomAD); Has not been previously published as pathogenic or benign to our knowledge

NM_014008.5(CCDC22):c.-4C>T

Gene: CCDC22 (CCC complex scaffolding subunit CCDC22; plus strand). Cytogenetic location: Xp11.23.
Variant type: single nucleotide variant.
Coding change: c.-4C>T on transcript NM_014008.5 (MANE Select); 4 bases upstream of the start codon, C replaced by T.
Molecular consequence: 5 prime UTR variant.
Genome position (GRCh38, 1-based): chrX:49,235,633, C>T. VCF-style: chrX-49235633-C-T. GRCh37 (hg19) VCF-style: chrX-49092093-C-T.
Identifiers: ClinVar variation 4532563 (VCV004532563.1).